The following is an entry in ClinVar:

NM_000091.5(COL4A3):c.2917G>A (p.Gly973Ser)

Genes: COL4A3 (collagen type IV alpha 3 chain; plus strand), MFF-DT (MFF divergent transcript; minus strand). Cytogenetic location: 2q36.3.
Variant type: single nucleotide variant.
Coding change: c.2917G>A on transcript NM_000091.5 (MANE Select); coding-DNA position 2917, G replaced by A.
Protein change: p.Gly973Ser; replaces glycine 973 with serine.
Molecular consequence: missense variant.
Genome position (GRCh38, 1-based): chr2:227,289,185, G>A. VCF-style: chr2-227289185-G-A. GRCh37 (hg19) VCF-style: chr2-228153901-G-A.
Other names: short protein forms G973S.
Identifiers: ClinVar variation 4817235 (VCV004817235.1).
Genomic context (GRCh38, chr2:227,289,185, plus strand): 5'-GTTAATACCTGGTTTCTAACTTCAGGATTCGCAGGAAATCCAGGTGAGAAAGGAAACAGA[G>A]GCGTTCCAGGGATGCCAGGTTTAAAGGGCCTCAAAGGACTACCCGGACCAGCAGGACCAC-3'
Protein context (NP_000082.2, residues 963-983): AGNPGEKGNR[Gly973Ser]VPGMPGLKGL

ClinVar aggregate classification (germline): Likely pathogenic (1 of 4 stars; one submission).

Conditions:
Alport syndrome. Also called: Hemorrhagic familial nephritis; Hemorrhagic hereditary nephritis; Congenital hereditary hematuria. Identifiers: Orphanet 63, MedGen C1567741, MONDO:0018965.

gnomAD v4.1: 2 of 1,613,822 alleles (0.00012%); highest among the groups gnomAD compares: Admixed American, 0.0017%; no homozygotes.

Submission:

Natera, Inc.
Classification: Likely pathogenic for Alport syndrome. Last evaluated: 2025-08-22. Review status: criteria provided, single submitter. Criteria: Natera Variant Classification Schema (03/2026). Collection method: clinical testing. Allele origin: germline.
Comment: The c.2917G>A variant in COL4A3 is a missense variant predicted to cause substitution of glycine to serine at amino acid 973. This variant is rare in the general population with a frequency below the threshold expected for the associated phenotype(s). This variant is located in a functionally critical region of the protein. Computational prediction algorithms indicate this variant is likely to affect gene or protein function. Given the available evidence, this variant is classified as Likely Pathogenic.